The following is an entry in ClinVar:

ClinVar aggregate classification (germline): Conflicting classifications of pathogenicity. Review status: criteria provided, conflicting classifications (1 of 4 stars). 10 submissions from 10 submitters: Uncertain significance (5); Likely benign (3). 2 of the submissions do not count toward it. Last evaluated 2026-04-07.

Conditions:
Hereditary cancer-predisposing syndrome. Also called: Hereditary Cancer Syndrome; Neoplastic Syndromes, Hereditary; Tumor predisposition; Hereditary neoplastic syndrome. Identifiers: Orphanet 140162, MedGen C0027672, MeSH D009386, MONDO:0015356.
Familial cancer of breast. Also called: hereditary breast carcinoma; BREAST CANCER, FAMILIAL; Hereditary breast cancer. Identifiers: Orphanet 227535, MedGen C0346153, MONDO:0016419, OMIM 114480. Disease mechanism: loss of function.

Allele frequency attached by ClinVar (database versions not stated): gnomAD exomes below 0.00001; TOPMed below 0.00001; gnomAD 0.00001.
gnomAD v4.1: 3 of 1,614,132 alleles (0.00019%); highest among the groups gnomAD compares: East Asian, 0.0045%; no homozygotes.

Submissions (10):

Myriad Genetics, Inc.
Classification: Likely benign for Familial cancer of breast. Last evaluated: 2026-04-07. Review status: criteria provided, single submitter. Criteria: Myriad Autosomal Dominant, Autosomal Recessive and X-Linked Classification Criteria (2023). Collection method: clinical testing. Allele origin: unknown.
Comment: This variant is considered likely benign. This variant is strongly associated with less severe personal and family histories of cancer, typical for individuals without pathogenic variants in this gene [PMID: 25085752].

Labcorp Genetics (formerly Invitae), Labcorp
Classification: Uncertain significance for Familial cancer of breast. Last evaluated: 2026-01-30. Review status: criteria provided, single submitter. Criteria: Invitae Variant Classification Sherloc (09022015). Collection method: clinical testing. Allele origin: germline.
Comment: This sequence change replaces lysine, which is basic and polar, with arginine, which is basic and polar, at codon 819 of the PALB2 protein (p.Lys819Arg). This variant is not present in population databases (gnomAD no frequency). This missense change has been observed in individual(s) with breast cancer (PMID: 34326862). ClinVar contains an entry for this variant (Variation ID: 134995). Invitae Evidence Modeling of protein sequence and biophysical properties (such as structural, functional, and spatial information, amino acid conservation, physicochemical variation, residue mobility, and thermodynamic stability) indicates that this missense variant is not expected to disrupt PALB2 protein function with a negative predictive value of 80%. RNA analysis performed to evaluate the impact of this missense change on mRNA splicing indicates it does not significantly alter splicing (internal data). In summary, the available evidence is currently insufficient to determine the role of this variant in disease. Therefore, it has been classified as a Variant of Uncertain Significance.

Color Diagnostics, LLC DBA Color Health
Classification: Uncertain significance for Hereditary cancer-predisposing syndrome. Last evaluated: 2025-12-09. Review status: criteria provided, single submitter. Criteria: ACMG Guidelines, 2015. Collection method: clinical testing. Allele origin: germline.
Comment: This missense variant replaces lysine with arginine at codon 819 of the PALB2 protein. Computational prediction suggests that this variant may not impact protein structure and function. This is a missense variant in a gene for which primarily truncating variants are known to cause disease. To our knowledge, functional studies have not been reported for this variant. This variant has been reported in an individual from a suspected hereditary cancer family (PMID: 34326862). This variant has been identified in 3/1614132 chromosomes in the general population by the Genome Aggregation Database (gnomAD). The available evidence is insufficient to determine the role of this variant in disease conclusively. Therefore, this variant is classified as a Variant of Uncertain Significance.

Center for Genomic Medicine, Rigshospitalet, Copenhagen University Hospital
Classification: Uncertain significance. Last evaluated: 2025-03-04. Review status: criteria provided, single submitter. Criteria: ACMG Guidelines, 2015. Collection method: clinical testing. Allele origin: germline.

Quest Diagnostics Nichols Institute San Juan Capistrano
Classification: Uncertain significance. Last evaluated: 2023-06-02. Review status: criteria provided, single submitter. Criteria: Quest Diagnostics criteria. Collection method: clinical testing. Allele origin: unknown.
Comment: In the published literature, the variant has been reported in two healthy adult individuals of unknown age undergoing whole exome sequencing (PMID 24728327 (2014)). This variant has not been reported in large, multi-ethnic general populations (Genome Aggregation Database). Analysis of this variant using bioinformatics tools for the prediction of the effect of amino acid changes on protein structure and function yielded predictions that this variant is benign. Additional analysis using software algorithms for the prediction of the effect of nucleotide changes on PALB2 mRNA splicing yielded predictions that this variant may result in the gain of a cryptic splice site without affecting the natural splice sites . Based on the available information, we are unable to determine the clinical significance of this variant.

Ambry Genetics
Classification: Likely benign for Hereditary cancer-predisposing syndrome. Last evaluated: 2023-03-07. Review status: criteria provided, single submitter. Criteria: Ambry Variant Classification Scheme 2023. Collection method: clinical testing. Allele origin: germline.

Sema4
Classification: Uncertain significance for Hereditary cancer-predisposing syndrome. Last evaluated: 2021-11-27. Review status: criteria provided, single submitter. Criteria: Sema4 Curation Guidelines. Collection method: curation. Allele origin: germline.
Comment: To the best of our knowledge, the PALB2 c.2456A>G (p.K819R) variant has not been reported in individuals with PALB2-related disease. It has been reported in a healthy, ancestrally diverse cohort (PMID: 24728327). It was not observed in the large and broad cohorts of the Genome Aggregation Database. The variant has been reported in ClinVar (Variation ID: 134995). In silico tools suggest the impact of the variant on protein function is benign, though these predictions have not been confirmed by functional studies. The evidence is insufficient to meet ACMG/AMP criteria for classifying the variant as benign or pathogenic. Thus, the clinical significance of this variant is currently uncertain.

GeneDx
Classification: Likely benign. Last evaluated: 2020-09-21. Review status: criteria provided, single submitter. Criteria: GeneDx Variant Classification Process June 2021. Collection method: clinical testing. Allele origin: germline. Affected: yes.
Comment: In silico analysis, which includes protein predictors and evolutionary conservation, supports that this variant does not alter protein structure/function; Has not been previously published as pathogenic or benign to our knowledge; This variant is associated with the following publications: (PMID: 24728327)

Counsyl
Classification: Uncertain significance for Familial cancer of breast. Last evaluated: 2015-12-09. Review status: no assertion criteria provided. Collection method: clinical testing. Allele origin: unknown. Not counted in ClinVar's aggregate classification.

ITMI
No classification provided. Condition: AllHighlyPenetrant. Last evaluated: 2013-09-19. Review status: no classification provided. Collection method: reference population. Allele origin: germline. Not counted in ClinVar's aggregate classification.
Comment: Please see associated publication for description of ethnicities

Literature cited by the submitters: PubMed 25085752 (cited by Myriad Genetics, Inc.); PubMed 34326862 (cited by Labcorp Genetics (formerly Invitae), Labcorp and Color Diagnostics, LLC DBA Color Health); PubMed 24728327 (cited by 5 submitters).

NM_024675.4(PALB2):c.2456A>G (p.Lys819Arg)

Gene: PALB2 (partner and localizer of BRCA2; minus strand). Cytogenetic location: 16p12.2.
Variant type: single nucleotide variant.
Coding change: c.2456A>G on transcript NM_024675.4 (MANE Select); coding-DNA position 2456, A replaced by G.
Protein change: p.Lys819Arg; replaces lysine 819 with arginine.
Molecular consequence: missense variant.
Genome position (GRCh38, 1-based): chr16:23,629,698, T>C on the plus strand (A>G on the coding strand, the complement: PALB2 is on the minus strand). VCF-style: chr16-23629698-T-C. GRCh37 (hg19) VCF-style: chr16-23641019-T-C.
Other names: short protein forms K819R.
Identifiers: ClinVar variation 134995 (VCV000134995.37), dbSNP rs587778585, ClinGen allele CA161343.
Genomic context (GRCh38, chr16:23,629,698, plus strand): 5'-ACCTGTTCGACGGAATGTTTATGCAGCTCCTGGCATGTGTTTCTACAGAGCTGATTTTCT[T>C]TAAAAGTGAATGACTCAATGGGTGGAGGTGTTCCTGGCGGGACAGAGTCACAGTCACAGG-3'
Protein context (NP_078951.2, residues 809-829): TPPPIESFTF[Lys819Arg]ENQLCRNTCQ